The following is an entry in ClinVar:

NM_015375.3(DSTYK):c.1474G>C (p.Val492Leu)

Gene: DSTYK (dual serine/threonine and tyrosine protein kinase; minus strand). Cytogenetic location: 1q32.1.
Variant type: single nucleotide variant.
Coding change: c.1474G>C on transcript NM_015375.3 (MANE Select); coding-DNA position 1474, G replaced by C.
Protein change: p.Val492Leu; replaces valine 492 with leucine.
Molecular consequence: missense variant.
Genome position (GRCh38, 1-based): chr1:205,163,806, C>G on the plus strand (G>C on the coding strand, the complement: DSTYK is on the minus strand). VCF-style: chr1-205163806-C-G. GRCh37 (hg19) VCF-style: chr1-205132934-C-G.
Other names: c.1474G>C, p.Val492Leu (NM_199462.3); short protein forms V492L.
Identifiers: ClinVar variation 3698038 (VCV003698038.2).
Genomic context (GRCh38, chr1:205,163,806, plus strand): 5'-TGTGAACTGAGACATCCTGAGACTTCTCCAGGCTCTGCAGACATCGTTCCAGGGTTCCGA[C>G]GAAGCTTTCCCTCAGGTAATCCACTGAGCTGATCAGCTTATTAGCCACTGCCTGATTAAG-3'
Protein context (NP_056190.1, residues 482-502): SSVDYLRESF[Val492Leu]GTLERCLQSL

ClinVar aggregate classification (germline): Uncertain significance (1 of 4 stars; one submission).

Submission:

Labcorp Genetics (formerly Invitae), Labcorp
Classification: Uncertain significance. Last evaluated: 2024-12-29. Review status: criteria provided, single submitter. Criteria: Invitae Variant Classification Sherloc (09022015). Collection method: clinical testing. Allele origin: germline.
Comment: This sequence change replaces valine, which is neutral and non-polar, with leucine, which is neutral and non-polar, at codon 492 of the DSTYK protein (p.Val492Leu). This variant is not present in population databases (gnomAD no frequency). This variant has not been reported in the literature in individuals affected with DSTYK-related conditions. An algorithm developed to predict the effect of missense changes on protein structure and function (PolyPhen-2) suggests that this variant is likely to be tolerated. In summary, the available evidence is currently insufficient to determine the role of this variant in disease. Therefore, it has been classified as a Variant of Uncertain Significance.